The following is an entry in ClinVar:

ClinVar aggregate classification (germline): Likely benign. Review status: criteria provided, single submitter (1 of 4 stars). 2 submissions from 2 submitters: Likely benign (1). 1 of the submissions does not count toward it.

Conditions:
PKD1-related disorder. Also called: PKD1-related condition.

Allele frequency attached by ClinVar (database versions not stated): gnomAD exomes 0.00002; TOPMed 0.00010; gnomAD 0.00015.
gnomAD v4.1: 39 of 1,311,308 alleles (0.003%); highest among the groups gnomAD compares: African/African-American, 0.035%; no homozygotes.

Submissions (2):

Breakthrough Genomics
Classification: Likely benign. Review status: criteria provided, single submitter. Criteria: ACMG Guidelines, 2015. Collection method: not provided. Allele origin: germline. Inheritance: Autosomal dominant inheritance. Affected: yes.

PreventionGenetics, part of Exact Sciences
Classification: Likely benign for PKD1-related condition. Last evaluated: 2023-12-12. Review status: no assertion criteria provided. Collection method: clinical testing. Allele origin: germline. Not counted in ClinVar's aggregate classification.
Comment: This variant is classified as likely benign based on ACMG/AMP sequence variant interpretation guidelines (Richards et al. 2015 PMID: 25741868, with internal and published modifications).

NM_001009944.3(PKD1):c.11713-23C>T

Gene: PKD1 (polycystin 1, transient receptor potential channel interacting; minus strand). Cytogenetic location: 16p13.3.
Variant type: single nucleotide variant.
Coding change: c.11713-23C>T on transcript NM_001009944.3 (MANE Select); 23 bases into the intron before coding-DNA position 11713, C replaced by T.
Molecular consequence: intron variant.
Genome position (GRCh38, 1-based): chr16:2,091,197, G>A on the plus strand (C>T on the coding strand, the complement: PKD1 is on the minus strand). VCF-style: chr16-2091197-G-A. GRCh37 (hg19) VCF-style: chr16-2141198-G-A.
Other names: c.11710-23C>T (NM_000296.4).
Identifiers: ClinVar variation 3032192 (VCV003032192.3), dbSNP rs768264052, ClinGen allele CA7829000.